The following is an entry in ClinVar:

NM_001267550.2(TTN):c.53182G>T (p.Glu17728Ter)

Genes: TTN (titin; minus strand), TTN-AS1 (TTN antisense RNA 1; plus strand), LOC126806425 (BRD4-independent group 4 enhancer GRCh37_chr2:179471933-179473132; plus strand). Cytogenetic location: 2q31.2.
Variant type: single nucleotide variant.
Coding change: c.53182G>T on transcript NM_001267550.2 (MANE Select); coding-DNA position 53182, G replaced by T.
Protein change: p.Glu17728Ter; replaces glutamic acid 17728 with a stop codon.
Molecular consequence: nonsense.
Genome position (GRCh38, 1-based): chr2:178,607,506, C>A on the plus strand (G>T on the coding strand, the complement: TTN is on the minus strand). VCF-style: chr2-178607506-C-A. GRCh37 (hg19) VCF-style: chr2-179472233-C-A.
Other names: c.48259G>T, p.Glu16087Ter (NM_001256850.1); c.25987G>T, p.Glu8663Ter (NM_003319.4); c.45478G>T, p.Glu15160Ter (NM_133378.4); c.26362G>T, p.Glu8788Ter (NM_133432.3); c.26563G>T, p.Glu8855Ter (NM_133437.4); short protein forms E17728*, E8855*, E16087*, E15160*, E8663*, E8788*.
Identifiers: ClinVar variation 2944564 (VCV002944564.3), dbSNP rs2470292240, ClinGen allele CA349567579.

ClinVar aggregate classification (germline): Likely pathogenic (1 of 4 stars; one submission).

Conditions:
Dilated cardiomyopathy 1G (CMD1G). Identifiers: Orphanet 154, MedGen C1858763, MONDO:0011400, OMIM 604145.
Autosomal recessive limb-girdle muscular dystrophy type 2J (LGMDR10). Also called: Limb-girdle muscular dystrophy, type 2J; MUSCULAR DYSTROPHY, LIMB-GIRDLE, AUTOSOMAL RECESSIVE 10. Identifiers: Orphanet 140922, MedGen C1837342, MONDO:0012127, OMIM 608807.

Submission:

Labcorp Genetics (formerly Invitae), Labcorp
Classification: Likely pathogenic for Dilated cardiomyopathy 1G; Autosomal recessive limb-girdle muscular dystrophy type 2J. Last evaluated: 2025-12-15. Review status: criteria provided, single submitter. Criteria: Invitae Variant Classification Sherloc (09022015). Collection method: clinical testing. Allele origin: germline.
Comment: This sequence change creates a premature translational stop signal (p.Glu17728*) in the TTN gene. While this is not anticipated to result in nonsense mediated decay, it is expected to create a truncated TTN protein. This variant is not present in population databases (gnomAD no frequency). This variant has not been reported in the literature in individuals affected with TTN-related conditions. ClinVar contains an entry for this variant (Variation ID: 2944564). This variant is located in the A band of TTN (PMID: 25589632). Truncating variants in this region are significantly overrepresented in patients affected with dilated cardiomyopathy (PMID: 25589632). Truncating variants in this region have also been reported in individuals affected with autosomal recessive centronuclear myopathy (PMID: 23975875). In summary, the currently available evidence indicates that the variant is pathogenic, but additional data are needed to prove that conclusively. Therefore, this variant has been classified as Likely Pathogenic.

Literature cited by the submitters: PubMed 25589632; PubMed 23975875.